The following is an entry in ClinVar:

NM_015335.5(MED13L):c.3806A>G (p.Asn1269Ser)

Gene: MED13L (mediator complex subunit 13L; minus strand). Cytogenetic location: 12q24.21.
Variant type: single nucleotide variant.
Coding change: c.3806A>G on transcript NM_015335.5 (MANE Select); coding-DNA position 3806, A replaced by G.
Protein change: p.Asn1269Ser; replaces asparagine 1269 with serine.
Molecular consequence: missense variant.
Genome position (GRCh38, 1-based): chr12:115,991,148, T>C on the plus strand (A>G on the coding strand, the complement: MED13L is on the minus strand). VCF-style: chr12-115991148-T-C. GRCh37 (hg19) VCF-style: chr12-116428953-T-C.
Other names: short protein forms N1269S.
Identifiers: ClinVar variation 3025653 (VCV003025653.22), dbSNP rs2499855113, ClinGen allele CA386886476.

ClinVar aggregate classification (germline): Uncertain significance (1 of 4 stars; one submission).

Allele frequency attached by ClinVar (database versions not stated): gnomAD exomes below 0.00001.
gnomAD v4.1: 1 of 1,614,198 alleles (0.000062%); highest among the groups gnomAD compares: Middle Eastern, 0.016%; no homozygotes.

Submission:

CeGaT Center for Human Genetics Tuebingen
Classification: Uncertain significance. Last evaluated: 2024-01-01. Review status: criteria provided, single submitter. Criteria: CeGaT Center For Human Genetics Tuebingen Variant Classification Criteria Version 2. Collection method: clinical testing. Allele origin: germline. Affected: yes. Observed: 1 variant allele.
Comment: MED13L: PM2, BP4